The following is an entry in ClinVar:

ClinVar aggregate classification (germline): Uncertain significance (1 of 4 stars; one submission).

Conditions:
LEPR-related disorder. Also called: LEPR-related condition; LEPR-related disorders.

Allele frequency attached by ClinVar (database versions not stated): ExAC 0.00001; gnomAD 0.00001; gnomAD exomes 0.00001; TOPMed 0.00002.
gnomAD v4.1: 8 of 1,613,822 alleles (0.0005%); highest among the groups gnomAD compares: Admixed American, 0.012%; no homozygotes.

Submission:

PreventionGenetics, part of Exact Sciences
Classification: Uncertain significance for LEPR-related condition. Last evaluated: 2026-09-25. Review status: criteria provided, single submitter. Criteria: ACMG Guidelines, 2015. Collection method: clinical testing. Allele origin: germline.
Comment: The LEPR c.76T>C variant is predicted to result in the amino acid substitution p.Tyr26His. This variant was observed in a cohort of individuals with obesity, and in vitro functional studies showed function similar to wild-type levels (Supplemental Data Set, Shah et al. 2023. PubMed ID: 36864747). This variant is reported in 0.0087% of alleles in individuals of Latino descent in gnomAD. At this time, the clinical significance of this variant is uncertain due to the absence of conclusive functional and genetic evidence.

NM_002303.6(LEPR):c.76T>C (p.Tyr26His)

Gene: LEPR (leptin receptor; plus strand). Cytogenetic location: 1p31.3.
Variant type: single nucleotide variant.
Coding change: c.76T>C on transcript NM_002303.6 (MANE Select); coding-DNA position 76, T replaced by C.
Protein change: p.Tyr26His; replaces tyrosine 26 with histidine.
Molecular consequence: missense variant.
Genome position (GRCh38, 1-based): chr1:65,570,508, T>C. VCF-style: chr1-65570508-T-C. GRCh37 (hg19) VCF-style: chr1-66036191-T-C.
Other names: c.76T>C, p.Tyr26His (NM_001198687.2, NM_001198688.1, NM_001198689.2 and 2 more transcripts); short protein forms Y26H.
Identifiers: ClinVar variation 2632958 (VCV002632958.3), dbSNP rs778003419, ClinGen allele CA894460.